The following is an entry in ClinVar:

ClinVar aggregate classification (germline): Uncertain significance. Review status: criteria provided, multiple submitters, no conflicts (2 of 4 stars). 3 submissions from 3 submitters: Uncertain significance (3). Last evaluated 2025-11-12.

Conditions:
Charcot-Marie-Tooth disease axonal type 2Z. Also called: CHARCOT-MARIE-TOOTH DISEASE, AXONAL, AUTOSOMAL DOMINANT, TYPE 2Z; CHARCOT-MARIE-TOOTH NEUROPATHY, TYPE 2Z. Identifiers: Orphanet 466768, MedGen C5569025, MONDO:0014736, OMIM 616688.

Allele frequency attached by ClinVar (database versions not stated): gnomAD exomes below 0.00001; gnomAD 0.00001; TOPMed below 0.00001.
gnomAD v4.1: 2 of 1,613,422 alleles (0.00012%); highest among the groups gnomAD compares: Non-Finnish European, 0.00017%; no homozygotes.

Submissions (5):

Women's Health and Genetics/Laboratory Corporation of America, LabCorp
Classification: Uncertain significance. Last evaluated: 2025-11-12. Review status: criteria provided, single submitter. Criteria: LabCorp Variant Classification Summary - May 2015. Collection method: clinical testing. Allele origin: germline.
Comment: Variant summary: MORC2 c.1812G>A (p.Glu604Glu) alters a conserved nucleotide located close to a canonical splice site and therefore could affect mRNA splicing, leading to a significantly altered protein sequence. Several computational tools predict a significant impact on normal splicing: Two predict the variant abolishes a canonical 5' splicing donor site and one predicts the variant weakens the 5' donor site. However, these predictions have yet to be confirmed by functional studies. The frequency data for this variant in gnomAD is considered unreliable, as metrics indicate poor data quality at this position. To our knowledge, no occurrence of c.1812G>A in individuals affected with MORC2-related conditions and no experimental evidence demonstrating its impact on protein function have been reported. ClinVar contains an entry for this variant (Variation ID: 542288). Based on the evidence outlined above, the variant was classified as uncertain significance.

GeneDx
Classification: Uncertain significance. Last evaluated: 2024-05-30. Review status: criteria provided, single submitter. Criteria: GeneDx Variant Classification Process June 2021. Collection method: clinical testing. Allele origin: germline. Affected: yes.
Comment: In silico analysis supports a deleterious effect on splicing; Has not been previously published as pathogenic or benign to our knowledge

Labcorp Genetics (formerly Invitae), Labcorp
Classification: Uncertain significance for Charcot-Marie-Tooth disease axonal type 2Z. Last evaluated: 2018-03-25. Review status: criteria provided, single submitter. Criteria: Invitae Variant Classification Sherloc (09022015). Collection method: clinical testing. Allele origin: germline.
Comment: In summary, the available evidence is currently insufficient to determine the role of this variant in disease. Therefore, it has been classified as a Variant of Uncertain Significance. Nucleotide substitutions within the consensus splice site are a relatively common cause of aberrant splicing (PMID: 17576681, 9536098). Algorithms developed to predict the effect of sequence changes on RNA splicing suggest that this variant may disrupt the consensus splice site, but this prediction has not been confirmed by published transcriptional studies. This variant has not been reported in the literature in individuals with MORC2-related disease. This variant is not present in population databases (ExAC no frequency). This sequence change affects codon 542 of the MORC2 mRNA. It is a 'silent' change, meaning that it does not change the encoded amino acid sequence of the MORC2 protein. This variant also falls at the last nucleotide of exon 19 of the MORC2 coding sequence, which is part of the consensus splice site for this exon.

Dr. Peter K. Rogan Lab, Western University
No classification provided (evidence only). Condition: Melanoma. Review status: no classification provided. Collection method: in vitro. Allele origin: not applicable. Functional consequence: skipped exon, retained intron. Not counted in ClinVar's aggregate classification.

Dr. Peter K. Rogan Lab, Western University
No classification provided (evidence only). Condition: Cholangiocarcinoma. Review status: no classification provided. Collection method: in vitro. Allele origin: not applicable. Functional consequence: skipped exon, retained intron. Not counted in ClinVar's aggregate classification.

Literature cited by the submitters: PubMed 17576681 (cited by Labcorp Genetics (formerly Invitae), Labcorp); PubMed 9536098 (cited by Labcorp Genetics (formerly Invitae), Labcorp).

NM_001303256.3(MORC2):c.1812G>A (p.Glu604=)

Gene: MORC2 (MORC family CW-type zinc finger 2; minus strand). Cytogenetic location: 22q12.2.
Variant type: single nucleotide variant.
Coding change: c.1812G>A on transcript NM_001303256.3 (MANE Select); coding-DNA position 1812, G replaced by A.
Protein change: p.Glu604=; no amino-acid change (glutamic acid 604 retained).
Molecular consequence: synonymous variant.
Genome position (GRCh38, 1-based): chr22:30,935,248, C>T on the plus strand (G>A on the coding strand, the complement: MORC2 is on the minus strand). VCF-style: chr22-30935248-C-T. GRCh37 (hg19) VCF-style: chr22-31331235-C-T.
Other names: c.1812G>A, p.Glu604= (NM_001303257.2); c.1626G>A, p.Glu542= (NM_014941.3); c.1812G>A (NM_001303256.2).
Identifiers: ClinVar variation 542288 (VCV000542288.10), dbSNP rs1214680334, ClinGen allele CA514239118.